The following is an entry in ClinVar:

NM_022124.6(CDH23):c.4209+355G>A

Genes: C10orf105 (chromosome 10 open reading frame 105; minus strand), CDH23 (cadherin related 23; plus strand). Cytogenetic location: 10q22.1.
Variant type: single nucleotide variant.
Coding change: c.4209+355G>A on transcript NM_022124.6 (MANE Select); 355 bases into the intron after coding-DNA position 4209, G replaced by A.
Molecular consequence: intron variant.
Genome position (GRCh38, 1-based): chr10:71,735,013, G>A. VCF-style: chr10-71735013-G-A. GRCh37 (hg19) VCF-style: chr10-73494770-G-A.
Other names: c.4209+355G>A (NM_022124.5); c.-6+2715C>T (NM_001168390.2).
Identifiers: ClinVar variation 3338163 (VCV003338163.3).

ClinVar aggregate classification (germline): Uncertain significance. Review status: criteria provided, multiple submitters, no conflicts (2 of 4 stars). 3 submissions from 3 submitters: Uncertain significance (2). 1 of the submissions does not count toward it. Last evaluated 2026-05-04.

Conditions:
Hearing impairment. Also called: Impaired Hearing. Identifiers: MedGen C1384666, MONDO:0005365, HP:0000365.
Usher syndrome type 1D (USH1D). Also called: USHER SYNDROME, TYPE ID. Identifiers: Orphanet 231169, Orphanet 886, MedGen C1832845, MONDO:0010984, OMIM 601067.
CDH23-related disorder. Also called: CDH23-related condition; CDH23-related disorders.

gnomAD v4.1: 1 of 152,226 alleles (0.00066%); highest among the groups gnomAD compares: Non-Finnish European, 0.0015%; no homozygotes.

Submissions (3):

PreventionGenetics, part of Exact Sciences
Classification: Uncertain significance for CDH23-related condition. Last evaluated: 2026-05-04. Review status: criteria provided, single submitter. Criteria: ACMG Guidelines, 2015. Collection method: clinical testing. Allele origin: germline.
Comment: The CDH23 c.4209+355G>A variant is predicted to interfere with splicing. This variant is predicted to alter splicing based on available splicing prediction programs (SpliceAI, Jaganathan et al. 2019. PubMed ID: 30661751). However, the use of computer prediction programs is not equivalent to functional evidence. This variant has been reported alongside a second plausible causative variant in an individual affected with hearing impairment (Supplementary Table S1 in Schobers et al. 2024. PubMed ID: 39333430). To our knowledge, this variant has not been reported in a large population database (gnomAD), indicating this variant is rare. Although we suspect that this variant may be pathogenic, at this time, the clinical significance of this variant is uncertain due to the absence of conclusive functional and genetic evidence.

Translational Hearing Genomics Lab, Boston Children's Hospital
Classification: Uncertain significance for Usher syndrome type 1D. Last evaluated: 2025-10-21. Review status: criteria provided, single submitter. Criteria: ACMG Guidelines, 2015. Collection method: research. Allele origin: unknown. Inheritance: Autosomal recessive inheritance. Affected: yes. Observed: 1 compound heterozygote.
Comment: This variant is present at low thresholds in population databases (gnomAD genomes) in 0.0015% of European-Non Finnish alleles. It is predicted to impact splicing by in silico models (SpliceAI score 0.95 acceptor gain, 0.76 donor gain). Applied PM2_supporting, PP3, PP4.

Joint Genome Diagnostic Labs from Nijmegen and Maastricht, Radboudumc and MUMC+
Classification: Uncertain significance for hearing impairment. Review status: no assertion criteria provided. Collection method: clinical testing. Allele origin: germline. Affected: yes. Not counted in ClinVar's aggregate classification.